The following is an entry in ClinVar:

ClinVar aggregate classification (germline): Uncertain significance. Review status: criteria provided, multiple submitters, no conflicts (2 of 4 stars). 2 submissions from 2 submitters: Uncertain significance (2). Last evaluated 2024-09-18.

Conditions:
Multiple endocrine neoplasia, type 1 (MEN1). Also called: MEN I; WERMER SYNDROME; Endocrine adenomatosis multiple; MEN 1; MEA I. Identifiers: Orphanet 652, MedGen C0025267, MeSH D018761, MONDO:0007540, OMIM 131100.

Submissions (2):

Labcorp Genetics (formerly Invitae), Labcorp
Classification: Uncertain significance for Multiple endocrine neoplasia, type 1. Last evaluated: 2024-09-18. Review status: criteria provided, single submitter. Criteria: Invitae Variant Classification Sherloc (09022015). Collection method: clinical testing. Allele origin: germline.
Comment: This sequence change replaces glutamic acid, which is acidic and polar, with glycine, which is neutral and non-polar, at codon 466 of the MEN1 protein (p.Glu466Gly). This variant is not present in population databases (gnomAD no frequency). This variant has not been reported in the literature in individuals affected with MEN1-related conditions. Invitae Evidence Modeling of protein sequence and biophysical properties (such as structural, functional, and spatial information, amino acid conservation, physicochemical variation, residue mobility, and thermodynamic stability) has been performed for this missense variant. However, the output from this modeling did not meet the statistical confidence thresholds required to predict the impact of this variant on MEN1 protein function. In summary, the available evidence is currently insufficient to determine the role of this variant in disease. Therefore, it has been classified as a Variant of Uncertain Significance.

All of Us Research Program, National Institutes of Health
Classification: Uncertain significance for Multiple endocrine neoplasia, type 1. Last evaluated: 2024-06-11. Review status: criteria provided, single submitter. Criteria: ACMG Guidelines, 2015. Collection method: clinical testing. Allele origin: germline. Inheritance: Autosomal dominant inheritance. Observed: 1 variant allele, 1 heterozygote.
Comment: This study involves interpretation of variants in research participants for the purpose of population health screening. Participant phenotype was not available at the time of variant classification. Additional details can be found in publication PMID: 35346344, PMCID: PMC8962531

NM_001370259.2(MEN1):c.1397A>G (p.Glu466Gly)

Gene: MEN1 (menin 1; minus strand). Cytogenetic location: 11q13.1.
Variant type: single nucleotide variant.
Coding change: c.1397A>G on transcript NM_001370259.2 (MANE Select); coding-DNA position 1397, A replaced by G.
Protein change: p.Glu466Gly; replaces glutamic acid 466 with glycine.
Molecular consequence: missense variant. On other transcripts: non-coding transcript variant (4).
Genome position (GRCh38, 1-based): chr11:64,804,770, T>C on the plus strand (A>G on the coding strand, the complement: MEN1 is on the minus strand). VCF-style: chr11-64804770-T-C. GRCh37 (hg19) VCF-style: chr11-64572242-T-C.
Other names: c.1292A>G, p.Glu431Gly (NM_001407149.1, NM_001370262.2, NM_001370263.2 and 1 more transcripts); c.1538A>G, p.Glu513Gly (NM_001407150.1); c.1418A>G, p.Glu473Gly (NM_001407151.1); c.1232A>G, p.Glu411Gly (NM_001407152.1); c.1397A>G, p.Glu466Gly (NM_130799.3, NM_001370260.2, NM_001370261.2 and 2 more transcripts); c.1412A>G, p.Glu471Gly (NM_130800.3, NM_130801.3, NM_130802.3 and 4 more transcripts); c.1523A>G, p.Glu508Gly (NM_001370251.2, NM_001407142.1, NM_001407143.1 and 1 more transcripts); short protein forms E411G, E431G, E466G, E471G, E473G, E508G, E513G.
Identifiers: ClinVar variation 3387022 (VCV003387022.3).